The following is an entry in ClinVar:

NM_001242896.3(DEPDC5):c.2361C>T (p.Asp787=)

Gene: DEPDC5 (DEP domain containing 5, GATOR1 subcomplex subunit; plus strand). Cytogenetic location: 22q12.3.
Variant type: single nucleotide variant.
Coding change: c.2361C>T on transcript NM_001242896.3 (MANE Select); coding-DNA position 2361, C replaced by T.
Protein change: p.Asp787=; no amino-acid change (aspartic acid 787 retained).
Molecular consequence: synonymous variant. On other transcripts: non-coding transcript variant (5).
Genome position (GRCh38, 1-based): chr22:31,838,691, C>T. VCF-style: chr22-31838691-C-T. GRCh37 (hg19) VCF-style: chr22-32234677-C-T.
Other names: c.2334C>T, p.Asp778= (NM_001136029.4, NM_001369903.1, NM_014662.6); c.2127C>T, p.Asp709= (NM_001242897.2, NM_001363854.2, NM_001364319.2); c.2361C>T, p.Asp787= (NM_001363852.2, NM_001364318.2, NM_001364320.2); c.2277C>T, p.Asp759= (NM_001369901.1, NM_001369902.1).
Identifiers: ClinVar variation 466470 (VCV000466470.15), dbSNP rs371165640, ClinGen allele CA10196703.

ClinVar aggregate classification (germline): Likely benign. Review status: criteria provided, multiple submitters, no conflicts (2 of 4 stars). 2 submissions from 2 submitters: Likely benign (2). Last evaluated 2025-12-01.

Conditions:
Familial focal epilepsy with variable foci (FPEVF). Identifiers: Orphanet 98820, MedGen C1858477, MONDO:0020310.

Allele frequency attached by ClinVar (database versions not stated): TOPMed 0.00003; gnomAD 0.00005 and 0.00006; gnomAD exomes 0.00005; ExAC 0.00007; ESP Exome Variant Server 0.00016.
gnomAD v4.1: 72 of 1,613,686 alleles (0.0045%); highest among the groups gnomAD compares: Middle Eastern, 0.016%; no homozygotes.

Submissions (2):

CeGaT Center for Human Genetics Tuebingen
Classification: Likely benign. Last evaluated: 2025-12-01. Review status: criteria provided, single submitter. Criteria: CeGaT Center For Human Genetics Tuebingen Variant Classification Criteria Version 2. Collection method: clinical testing. Allele origin: germline. Affected: yes. Observed: 1 variant allele.
Comment: DEPDC5: BP4, BP7

Labcorp Genetics (formerly Invitae), Labcorp
Classification: Likely benign for Familial focal epilepsy with variable foci. Last evaluated: 2025-11-06. Review status: criteria provided, single submitter. Criteria: Invitae Variant Classification Sherloc (09022015). Collection method: clinical testing. Allele origin: germline.